The following is an entry in ClinVar:

ClinVar aggregate classification (germline): Pathogenic/Likely pathogenic. Review status: criteria provided, multiple submitters, no conflicts (2 of 4 stars). 2 submissions from 2 submitters: Pathogenic (1); Likely pathogenic (1). Last evaluated 2026-03-11.

Submissions (2):

GeneDx
Classification: Likely pathogenic. Last evaluated: 2026-03-11. Review status: criteria provided, single submitter. Criteria: GeneDx Variant Classification Process June 2021. Collection method: clinical testing. Allele origin: germline.
Comment: Frameshift variant predicted to result in protein truncation or nonsense mediated decay in a gene for which loss of function is a known mechanism of disease; Not observed at significant frequency in large population cohorts (gnomAD); Has not been previously published as pathogenic or benign to our knowledge

Labcorp Genetics (formerly Invitae), Labcorp
Classification: Pathogenic. Last evaluated: 2024-05-27. Review status: criteria provided, single submitter. Criteria: Invitae Variant Classification Sherloc (09022015). Collection method: clinical testing. Allele origin: germline.
Comment: This sequence change creates a premature translational stop signal (p.Val267Glyfs*35) in the LAMC3 gene. It is expected to result in an absent or disrupted protein product. Loss-of-function variants in LAMC3 are known to be pathogenic (PMID: 21572413, 26802095). This variant is present in population databases (rs770311615, gnomAD 0.002%). This variant has not been reported in the literature in individuals affected with LAMC3-related conditions. For these reasons, this variant has been classified as Pathogenic.

Literature cited by the submitters: PubMed 21572413 (cited by Labcorp Genetics (formerly Invitae), Labcorp); PubMed 26802095 (cited by Labcorp Genetics (formerly Invitae), Labcorp).

NM_006059.4(LAMC3):c.800_801del (p.Val267fs)

Gene: LAMC3 (laminin subunit gamma 3; plus strand). Cytogenetic location: 9q34.12.
Variant type: Microsatellite.
Coding change: c.800_801del on transcript NM_006059.4 (MANE Select); coding-DNA positions 800 to 801, 2 bases deleted (TG; older notation c.800_801delTG).
Protein change: p.Val267fs; shifts the reading frame from valine 267.
Molecular consequence: frameshift variant.
Genome position (GRCh38, 1-based): chr9:131,032,166-131,032,167, TG deleted; deleting any 2 consecutive bases within chr9:131,032,164-131,032,167 gives the same sequence; the c. name uses the placement nearest the transcript's 3' end. VCF-style (leftmost placement, unchanged base first): chr9-131032163-CTG-C. GRCh37 (hg19) VCF-style: chr9-133907550-CTG-C.
Other names: c.800_801del (NM_006059.3); short protein forms V267fs.
Identifiers: ClinVar variation 1453306 (VCV001453306.8), dbSNP rs770311615, ClinGen allele CA5286810.